The following is an entry in ClinVar:

ClinVar aggregate classification (germline): Likely pathogenic (1 of 4 stars; one submission).

Conditions:
Atrial fibrillation, familial, 18 (ATFB18). Identifiers: MedGen C4310636, MONDO:0015001, OMIM 617280.

Allele frequency attached by ClinVar (database versions not stated): gnomAD 0.00001; TOPMed 0.00002.

Submission:

Labcorp Genetics (formerly Invitae), Labcorp
Classification: Likely pathogenic for Atrial fibrillation, familial, 18. Last evaluated: 2025-02-27. Review status: criteria provided, single submitter. Criteria: Invitae Variant Classification Sherloc (09022015). Collection method: clinical testing. Allele origin: germline.
Comment: This sequence change affects an acceptor splice site in intron 3 of the MYL4 gene. It is expected to disrupt RNA splicing. Variants that disrupt the donor or acceptor splice site typically lead to a loss of protein function (PMID: 16199547), and loss-of-function variants in MYL4 are known to be pathogenic (PMID: 25807286, 27742809). This variant is not present in population databases (gnomAD no frequency). This variant has not been reported in the literature in individuals affected with MYL4-related conditions. ClinVar contains an entry for this variant (Variation ID: 3020997). Algorithms developed to predict the effect of sequence changes on RNA splicing suggest that this variant may disrupt the consensus splice site. In summary, the currently available evidence indicates that the variant is pathogenic, but additional data are needed to prove that conclusively. Therefore, this variant has been classified as Likely Pathogenic.

Literature cited by the submitters: PubMed 16199547; PubMed 25807286; PubMed 27742809.

NM_002476.2(MYL4):c.164-1G>C

Gene: MYL4 (myosin light chain 4; plus strand). Cytogenetic location: 17q21.32.
Variant type: single nucleotide variant.
Coding change: c.164-1G>C on transcript NM_002476.2 (MANE Select); the canonical splice acceptor site of the intron before coding-DNA position 164, G replaced by C.
Molecular consequence: splice acceptor variant.
Genome position (GRCh38, 1-based): chr17:47,219,903, G>C. VCF-style: chr17-47219903-G-C. GRCh37 (hg19) VCF-style: chr17-45297269-G-C.
Other names: c.164-1G>C (NM_001002841.2).
Identifiers: ClinVar variation 3020997 (VCV003020997.3), dbSNP rs906038468, ClinGen allele CA291225097.